The following is an entry in ClinVar:

ClinVar aggregate classification (germline): Uncertain significance (1 of 4 stars; one submission).

gnomAD v4.1: 1 of 1,613,498 alleles (0.000062%); highest among the groups gnomAD compares: South Asian, 0.0011%; no homozygotes.

Submission:

Labcorp Genetics (formerly Invitae), Labcorp
Classification: Uncertain significance. Last evaluated: 2024-03-07. Review status: criteria provided, single submitter. Criteria: Invitae Variant Classification Sherloc (09022015). Collection method: clinical testing. Allele origin: germline.
Comment: This sequence change replaces aspartic acid, which is acidic and polar, with histidine, which is basic and polar, at codon 1871 of the COL7A1 protein (p.Asp1871His). This variant is not present in population databases (gnomAD no frequency). This variant has not been reported in the literature in individuals affected with COL7A1-related conditions. Advanced modeling of protein sequence and biophysical properties (such as structural, functional, and spatial information, amino acid conservation, physicochemical variation, residue mobility, and thermodynamic stability) performed at Invitae indicates that this missense variant is not expected to disrupt COL7A1 protein function with a negative predictive value of 95%. In summary, the available evidence is currently insufficient to determine the role of this variant in disease. Therefore, it has been classified as a Variant of Uncertain Significance.

NM_000094.4(COL7A1):c.5611G>C (p.Asp1871His)

Gene: COL7A1 (collagen type VII alpha 1 chain; minus strand). Cytogenetic location: 3p21.31.
Variant type: single nucleotide variant.
Coding change: c.5611G>C on transcript NM_000094.4 (MANE Select); coding-DNA position 5611, G replaced by C.
Protein change: p.Asp1871His; replaces aspartic acid 1871 with histidine.
Molecular consequence: missense variant.
Genome position (GRCh38, 1-based): chr3:48,576,765, C>G on the plus strand (G>C on the coding strand, the complement: COL7A1 is on the minus strand). VCF-style: chr3-48576765-C-G. GRCh37 (hg19) VCF-style: chr3-48614198-C-G.
Other names: short protein forms D1871H.
Identifiers: ClinVar variation 3635677 (VCV003635677.2).